The following is an entry in ClinVar:

ClinVar aggregate classification (germline): Conflicting classifications of pathogenicity. Review status: criteria provided, conflicting classifications (1 of 4 stars). 3 submissions from 3 submitters: Pathogenic (1); Uncertain significance (2). Last evaluated 2026-01-15.

Conditions:
Cardiovascular phenotype. Identifiers: MedGen CN230736.
Primary familial dilated cardiomyopathy (FDC). Also called: Hypokinetic dilated cardiomyopathy, familial; Familial dilated cardiomyopathy. Identifiers: Orphanet 217607, MedGen C0340427, MONDO:0016333.
Dilated cardiomyopathy 1CC (CMD1CC). Identifiers: Orphanet 154, MedGen C2751084, MONDO:0013147, OMIM 613122.
Hypertrophic cardiomyopathy 20. Identifiers: MedGen C3151267, MONDO:0013477, OMIM 613876.

Submissions (3):

Labcorp Genetics (formerly Invitae), Labcorp
Classification: Pathogenic for Dilated cardiomyopathy 1CC; Hypertrophic cardiomyopathy 20. Last evaluated: 2026-01-15. Review status: criteria provided, single submitter. Criteria: Invitae Variant Classification Sherloc (09022015). Collection method: clinical testing. Allele origin: germline.
Comment: This sequence change creates a premature translational stop signal (p.Glu375*) in the NEXN gene. It is expected to result in an absent or disrupted protein product. Loss-of-function variants in NEXN are known to be pathogenic (PMID: 19881492, 32058062, 32814711, 32870709, 33949776, 38059363, 40680702). This variant is not present in population databases (gnomAD no frequency). This variant has not been reported in the literature in individuals affected with NEXN-related conditions. ClinVar contains an entry for this variant (Variation ID: 684839). For these reasons, this variant has been classified as Pathogenic.

Ambry Genetics
Classification: Uncertain significance for Cardiovascular phenotype. Last evaluated: 2024-09-11. Review status: criteria provided, single submitter. Criteria: Ambry Variant Classification Scheme 2023. Collection method: clinical testing. Allele origin: germline.
Comment: The p.E375* variant (also known as c.1123G>T), located in coding exon 9 of the NEXN gene, results from a G to T substitution at nucleotide position 1123. This changes the amino acid from a glutamic acid to a stop codon within coding exon 9. This alteration is expected to result in loss of function by premature protein truncation or nonsense-mediated mRNA decay. Although biallelic loss of function of NEXN has been associated with autosomal recessive NEXN-related cardiomyopathy, haploinsufficiency of NEXN has not been established as a mechanism of disease for autosomal dominant NEXN-related cardiomyopathy. Based on the supporting evidence, this variant is expected to be causative of autosomal recessive NEXN-related cardiomyopathy when present along with a second pathogenic variant on the other allele; however, its clinical significance for autosomal dominant NEXN-related cardiomyopathy is unclear.

Molecular Diagnostic Laboratory for Inherited Cardiovascular Disease, Montreal Heart Institute
Classification: Uncertain significance for Familial dilated cardiomyopathy. Review status: criteria provided, single submitter. Criteria: ACMG Guidelines, 2015. Collection method: clinical testing. Allele origin: germline. Affected: yes.

Literature cited by the submitters: PubMed 19881492 (cited by Labcorp Genetics (formerly Invitae), Labcorp); PubMed 32058062 (cited by Labcorp Genetics (formerly Invitae), Labcorp); PubMed 32814711 (cited by Labcorp Genetics (formerly Invitae), Labcorp); PubMed 32870709 (cited by Labcorp Genetics (formerly Invitae), Labcorp); PubMed 33949776 (cited by Labcorp Genetics (formerly Invitae), Labcorp); PubMed 38059363 (cited by Labcorp Genetics (formerly Invitae), Labcorp); PubMed 40680702 (cited by Labcorp Genetics (formerly Invitae), Labcorp).

NM_144573.4(NEXN):c.1123G>T (p.Glu375Ter)

Gene: NEXN (nexilin F-actin binding protein; plus strand). Cytogenetic location: 1p31.1.
Variant type: single nucleotide variant.
Coding change: c.1123G>T on transcript NM_144573.4 (MANE Select); coding-DNA position 1123, G replaced by T.
Protein change: p.Glu375Ter; replaces glutamic acid 375 with a stop codon.
Molecular consequence: nonsense.
Genome position (GRCh38, 1-based): chr1:77,933,351, G>T. VCF-style: chr1-77933351-G-T. GRCh37 (hg19) VCF-style: chr1-78399036-G-T.
Other names: c.931G>T, p.Glu311Ter (NM_001172309.2); short protein forms E311*, E375*.
Identifiers: ClinVar variation 684839 (VCV000684839.7), dbSNP rs1571150562, ClinGen allele CA340876741.